The following is an entry in ClinVar:

ClinVar aggregate classification (germline): Uncertain significance (1 of 4 stars; one submission).

Conditions:
Cerebral folate transport deficiency. Also called: NEURODEGENERATION DUE TO CEREBRAL FOLATE TRANSPORT DEFICIENCY; FOLR1-Related Cerebral Folate Transport Deficiency; FOLATE RECEPTOR DEFICIENCY; Cerebral folate deficiency syndrome; Neurodegenerative syndrome due to cerebral folate transport deficiency. Identifiers: Orphanet 217382, MedGen C2751584, MONDO:0013110, OMIM 613068. Disease mechanism: loss of function.

Submission:

Labcorp Genetics (formerly Invitae), Labcorp
Classification: Uncertain significance for Cerebral folate transport deficiency. Last evaluated: 2022-07-06. Review status: criteria provided, single submitter. Criteria: Invitae Variant Classification Sherloc (09022015). Collection method: clinical testing. Allele origin: germline.
Comment: In summary, the available evidence is currently insufficient to determine the role of this variant in disease. Therefore, it has been classified as a Variant of Uncertain Significance. Algorithms developed to predict the effect of missense changes on protein structure and function are either unavailable or do not agree on the potential impact of this missense change (SIFT: "Deleterious"; PolyPhen-2: "Probably Damaging"; Align-GVGD: "Class C0"). This sequence change replaces proline, which is neutral and non-polar, with histidine, which is basic and polar, at codon 59 of the FOLR1 protein (p.Pro59His). This variant is not present in population databases (gnomAD no frequency). This variant has not been reported in the literature in individuals affected with FOLR1-related conditions. ClinVar contains an entry for this variant (Variation ID: 1465705).

NM_016729.3(FOLR1):c.176C>A (p.Pro59His)

Genes: FOLR1-AS1 (FOLR1 antisense RNA 1; minus strand), FOLR1 (folate receptor alpha; plus strand). Cytogenetic location: 11q13.4.
Variant type: single nucleotide variant.
Coding change: c.176C>A on transcript NM_016729.3 (MANE Select); coding-DNA position 176, C replaced by A.
Protein change: p.Pro59His; replaces proline 59 with histidine.
Molecular consequence: missense variant.
Genome position (GRCh38, 1-based): chr11:72,195,278, C>A. VCF-style: chr11-72195278-C-A. GRCh37 (hg19) VCF-style: chr11-71906322-C-A.
Other names: c.176C>A, p.Pro59His (NM_000802.3, NM_016724.3, NM_016725.3); short protein forms P59H.
Identifiers: ClinVar variation 1465705 (VCV001465705.7), dbSNP rs1275551543, ClinGen allele CA381731606.